The following is an entry in ClinVar:

ClinVar aggregate classification (germline): Pathogenic. Review status: criteria provided, multiple submitters, no conflicts (2 of 4 stars). 2 submissions from 2 submitters: Pathogenic (2). Last evaluated 2024-07-15.

Conditions:
Neurofibromatosis, type 1 (NF1). Also called: Peripheral type neurofibromatosis; VON RECKLINGHAUSEN DISEASE; NEUROFIBROMATOSIS, TYPE I, SOMATIC; Neurofibromatosis, type I. Identifiers: Orphanet 636, MedGen C0027831, MONDO:0018975, OMIM 162200. Disease mechanism: loss of function.

Submissions (2):

GeneDx
Classification: Pathogenic. Last evaluated: 2024-07-15. Review status: criteria provided, single submitter. Criteria: GeneDx Variant Classification Process June 2021. Collection method: clinical testing. Allele origin: germline. Affected: yes.
Comment: Nonsense variant predicted to result in protein truncation or nonsense mediated decay in a gene for which loss of function is a known mechanism of disease; Not observed at significant frequency in large population cohorts (gnomAD); This variant is associated with the following publications: (PMID: 30530636, 23656349, 31066482)

Labcorp Genetics (formerly Invitae), Labcorp
Classification: Pathogenic for Neurofibromatosis, type 1. Last evaluated: 2022-06-29. Review status: criteria provided, single submitter. Criteria: Invitae Variant Classification Sherloc (09022015). Collection method: clinical testing. Allele origin: germline.
Comment: This sequence change creates a premature translational stop signal (p.Tyr2455*) in the NF1 gene. It is expected to result in an absent or disrupted protein product. Loss-of-function variants in NF1 are known to be pathogenic (PMID: 10712197, 23913538). This variant is not present in population databases (gnomAD no frequency). This premature translational stop signal has been observed in individual(s) with neurofibromatosis type 1 (PMID: 30530636). For these reasons, this variant has been classified as Pathogenic.

Literature cited by the submitters: PubMed 10712197 (cited by Labcorp Genetics (formerly Invitae), Labcorp); PubMed 23913538 (cited by Labcorp Genetics (formerly Invitae), Labcorp); PubMed 30530636 (cited by Labcorp Genetics (formerly Invitae), Labcorp).

NM_001042492.3(NF1):c.7428T>G (p.Tyr2476Ter)

Gene: NF1 (neurofibromin 1; plus strand). Cytogenetic location: 17q11.2.
Variant type: single nucleotide variant.
Coding change: c.7428T>G on transcript NM_001042492.3 (MANE Select); coding-DNA position 7428, T replaced by G.
Protein change: p.Tyr2476Ter; replaces tyrosine 2476 with a stop codon.
Molecular consequence: nonsense.
Genome position (GRCh38, 1-based): chr17:31,350,289, T>G. VCF-style: chr17-31350289-T-G. GRCh37 (hg19) VCF-style: chr17-29677307-T-G.
Other names: c.7365T>G, p.Tyr2455Ter (NM_000267.4); short protein forms Y2476*, Y2455*.
Identifiers: ClinVar variation 2138003 (VCV002138003.5), dbSNP rs181397225, ClinGen allele CA399017170.